The following is an entry in ClinVar:

ClinVar aggregate classification (germline): Uncertain significance (1 of 4 stars; one submission).

gnomAD v4.1: 8 of 1,612,726 alleles (0.0005%); highest among the groups gnomAD compares: African/African-American, 0.0027%; no homozygotes.

Submission:

Labcorp Genetics (formerly Invitae), Labcorp
Classification: Uncertain significance. Last evaluated: 2024-08-14. Review status: criteria provided, single submitter. Criteria: Invitae Variant Classification Sherloc (09022015). Collection method: clinical testing. Allele origin: germline.
Comment: This sequence change replaces valine, which is neutral and non-polar, with phenylalanine, which is neutral and non-polar, at codon 207 of the WFS1 protein (p.Val207Phe). This variant is present in population databases (no rsID available, gnomAD 0.01%). This variant has not been reported in the literature in individuals affected with WFS1-related conditions. Invitae Evidence Modeling of protein sequence and biophysical properties (such as structural, functional, and spatial information, amino acid conservation, physicochemical variation, residue mobility, and thermodynamic stability) has been performed for this missense variant. However, the output from this modeling did not meet the statistical confidence thresholds required to predict the impact of this variant on WFS1 protein function. In summary, the available evidence is currently insufficient to determine the role of this variant in disease. Therefore, it has been classified as a Variant of Uncertain Significance.

NM_006005.3(WFS1):c.619G>T (p.Val207Phe)

Gene: WFS1 (wolframin ER transmembrane glycoprotein; plus strand). Cytogenetic location: 4p16.1.
Variant type: single nucleotide variant.
Coding change: c.619G>T on transcript NM_006005.3 (MANE Select); coding-DNA position 619, G replaced by T.
Protein change: p.Val207Phe; replaces valine 207 with phenylalanine.
Molecular consequence: missense variant.
Genome position (GRCh38, 1-based): chr4:6,291,355, G>T. VCF-style: chr4-6291355-G-T. GRCh37 (hg19) VCF-style: chr4-6293082-G-T.
Other names: c.619G>T, p.Val207Phe (NM_001145853.1); short protein forms V207F.
Identifiers: ClinVar variation 3605481 (VCV003605481.2).